The following is an entry in ClinVar:

ClinVar aggregate classification (germline): Uncertain significance (1 of 4 stars; one submission).

Submission:

GeneDx
Classification: Uncertain significance. Last evaluated: 2026-05-30. Review status: criteria provided, single submitter. Criteria: GeneDx Variant Classification Process June 2021. Collection method: clinical testing. Allele origin: germline.
Comment: Not observed at significant frequency in large population cohorts (gnomAD); Stop codon loss and change to a leucine codon, leading to protein extension and the addition of an indeterminate number of amino acid(s) at the C-terminus; Has not been previously published as pathogenic or benign to our knowledge

NM_003545.4(H4C5):c.310dup (p.Ter104LeuextTer?)

Gene: H4C5 (H4 clustered histone 5; plus strand). Cytogenetic location: 6p22.2.
Variant type: Duplication.
Coding change: c.310dup on transcript NM_003545.4 (MANE Select); coding-DNA position 310, one base duplicated (T; older notation c.310dupT).
Protein change: p.Ter104LeuextTer?.
Molecular consequence: frameshift variant, stop lost.
Genome position (GRCh38, 1-based): chr6:26,204,954, T duplicated. VCF-style (leftmost placement, unchanged base first): chr6-26204953-C-CT. GRCh37 (hg19) VCF-style: chr6-26205181-C-CT.
Identifiers: ClinVar variation 3367431 (VCV003367431.2).
Genomic context (GRCh38, chr6:26,204,953, plus strand): 5'-AGCGATGGATGTGGTCTACGCGCTGAAGAGACAGGGACGCACTCTTTACGGCTTCGGCGG[C>CT]TAATGCTACCGCTTAAACGACTCAGCATCTCGACTTCCCAAATCAAAGGCCCTTTTCAGG-3'